The following is an entry in ClinVar:

NM_000153.4(GALC):c.486C>A (p.Asp162Glu)

Gene: GALC (galactosylceramidase; minus strand). Cytogenetic location: 14q31.3.
Variant type: single nucleotide variant.
Coding change: c.486C>A on transcript NM_000153.4 (MANE Select); coding-DNA position 486, C replaced by A.
Protein change: p.Asp162Glu; replaces aspartic acid 162 with glutamic acid.
Molecular consequence: missense variant.
Genome position (GRCh38, 1-based): chr14:87,984,490, G>T on the plus strand (C>A on the coding strand, the complement: GALC is on the minus strand). VCF-style: chr14-87984490-G-T. GRCh37 (hg19) VCF-style: chr14-88450834-G-T.
Other names: c.417C>A, p.Asp139Glu (NM_001201401.2); c.408C>A, p.Asp136Glu (NM_001201402.2); short protein forms D162E, D136E, D139E.
Identifiers: ClinVar variation 558185 (VCV000558185.5), dbSNP rs767286511, ClinGen allele CA7297345.

ClinVar aggregate classification (germline): Uncertain significance. Review status: criteria provided, multiple submitters, no conflicts (2 of 4 stars). 3 submissions from 3 submitters: Uncertain significance (2). 1 of the submissions does not count toward it. Last evaluated 2023-12-08.

Conditions:
Galactosylceramide beta-galactosidase deficiency. Also called: Krabbe Disease; GALACTOCEREBROSIDASE DEFICIENCY; GALC DEFICIENCY; GLOBOID CELL LEUKOENCEPHALOPATHY; Leukodystrophy, Globoid Cell. Identifiers: Orphanet 487, MedGen C0023521, MONDO:0009499, OMIM 245200.

Allele frequency attached by ClinVar (database versions not stated): ExAC 0.00001; gnomAD exomes 0.00001 and 0.00002; TOPMed 0.00001.
gnomAD v4.1: 29 of 1,614,160 alleles (0.0018%); highest among the groups gnomAD compares: Non-Finnish European, 0.0024%; no homozygotes.

Submissions (3):

Women's Health and Genetics/Laboratory Corporation of America, LabCorp
Classification: Uncertain significance. Last evaluated: 2023-12-08. Review status: criteria provided, single submitter. Criteria: LabCorp Variant Classification Summary - May 2015. Collection method: clinical testing. Allele origin: germline.
Comment: Variant summary: GALC c.486C>A (p.Asp162Glu) results in a conservative amino acid change located in the Glycosyl hydrolase family 59, catalytic domain of the encoded protein sequence. Three of five in-silico tools predict a benign effect of the variant on protein function. The variant allele was found at a frequency of 8e-06 in 249478 control chromosomes. The available data on variant occurrences in the general population are insufficient to allow any conclusion about variant significance. c.486C>A has been reported in the literature in two siblings with multiple sclerosis who inherited the variant from their mother who was neurologically normal (Traboulsee_2017). These reports do not provide unequivocal conclusions about association of the variant with Krabbe Disease. To our knowledge, no experimental evidence demonstrating an impact on protein function has been reported. Two submitters have cited clinical-significance assessments for this variant to ClinVar after 2014. All submitters classified the variant as uncertain significance. Based on the evidence outlined above, the variant was classified as uncertain significance.

Revvity Omics, Revvity
Classification: Uncertain significance. Last evaluated: 2020-08-30. Review status: criteria provided, single submitter. Criteria: ACMG Guidelines, 2015. Collection method: clinical testing. Allele origin: germline.

Counsyl
Classification: Uncertain significance for Galactosylceramide beta-galactosidase deficiency. Last evaluated: 2018-05-03. Review status: no assertion criteria provided. Collection method: clinical testing. Allele origin: unknown. Not counted in ClinVar's aggregate classification.

Literature cited by the submitters: PubMed 28337550 (cited by Women's Health and Genetics/Laboratory Corporation of America, LabCorp).